The following is an entry in ClinVar:

ClinVar aggregate classification (germline): Likely benign (1 of 4 stars; one submission).

Allele frequency attached by ClinVar (database versions not stated): gnomAD exomes below 0.00001.
gnomAD v4.1: 3 of 1,611,118 alleles (0.00019%); highest among the groups gnomAD compares: Non-Finnish European, 0.00025%; no homozygotes.

Submission:

CeGaT Center for Human Genetics Tuebingen
Classification: Likely benign. Last evaluated: 2022-07-01. Review status: criteria provided, single submitter. Criteria: CeGaT Center For Human Genetics Tuebingen Variant Classification Criteria Version 2. Collection method: clinical testing. Allele origin: germline. Affected: yes. Observed: 1 variant allele.
Comment: RBSN: PM2:Supporting, BP4, BP7

NM_022340.4(RBSN):c.2322C>T (p.His774=)

Gene: RBSN (rabenosyn, RAB effector; minus strand). Cytogenetic location: 3p25.1.
Variant type: single nucleotide variant.
Coding change: c.2322C>T on transcript NM_022340.4 (MANE Select); coding-DNA position 2322, C replaced by T.
Protein change: p.His774=; no amino-acid change (histidine 774 retained).
Molecular consequence: synonymous variant.
Genome position (GRCh38, 1-based): chr3:15,073,815, G>A on the plus strand (C>T on the coding strand, the complement: RBSN is on the minus strand). VCF-style: chr3-15073815-G-A. GRCh37 (hg19) VCF-style: chr3-15115322-G-A.
Other names: c.2322C>T, p.His774= (NM_001302378.2).
Identifiers: ClinVar variation 2653592 (VCV002653592.24), dbSNP rs2471031793, ClinGen allele CA432816797.